The following is an entry in ClinVar:

ClinVar aggregate classification (germline): Uncertain significance. Review status: criteria provided, multiple submitters, no conflicts (2 of 4 stars). 2 submissions from 2 submitters: Uncertain significance (2). Last evaluated 2022-06-28.

Allele frequency attached by ClinVar (database versions not stated): gnomAD exomes below 0.00001.
gnomAD v4.1: 1 of 1,612,190 alleles (0.000062%); highest among the groups gnomAD compares: Non-Finnish European, 0.000085%; no homozygotes.

Submissions (2):

Labcorp Genetics (formerly Invitae), Labcorp
Classification: Uncertain significance. Last evaluated: 2022-06-28. Review status: criteria provided, single submitter. Criteria: Invitae Variant Classification Sherloc (09022015). Collection method: clinical testing. Allele origin: germline.
Comment: Advanced modeling of protein sequence and biophysical properties (such as structural, functional, and spatial information, amino acid conservation, physicochemical variation, residue mobility, and thermodynamic stability) performed at Invitae indicates that this missense variant is not expected to disrupt WFS1 protein function. This sequence change replaces phenylalanine, which is neutral and non-polar, with serine, which is neutral and polar, at codon 515 of the WFS1 protein (p.Phe515Ser). This variant is not present in population databases (gnomAD no frequency). This variant has not been reported in the literature in individuals affected with WFS1-related conditions. In summary, the available evidence is currently insufficient to determine the role of this variant in disease. Therefore, it has been classified as a Variant of Uncertain Significance.

Blueprint Genetics
Classification: Uncertain significance. Last evaluated: 2022-02-09. Review status: criteria provided, single submitter. Criteria: ACMG Guidelines, 2015. Collection method: clinical testing. Allele origin: germline.

NM_006005.3(WFS1):c.1544T>C (p.Phe515Ser)

Gene: WFS1 (wolframin ER transmembrane glycoprotein; plus strand). Cytogenetic location: 4p16.1.
Variant type: single nucleotide variant.
Coding change: c.1544T>C on transcript NM_006005.3 (MANE Select); coding-DNA position 1544, T replaced by C.
Protein change: p.Phe515Ser; replaces phenylalanine 515 with serine.
Molecular consequence: missense variant.
Genome position (GRCh38, 1-based): chr4:6,301,339, T>C. VCF-style: chr4-6301339-T-C. GRCh37 (hg19) VCF-style: chr4-6303066-T-C.
Other names: c.1544T>C, p.Phe515Ser (NM_001145853.1); short protein forms F515S.
Identifiers: ClinVar variation 2000596 (VCV002000596.5), dbSNP rs1225203031, ClinGen allele CA356175896.